The following is an entry in ClinVar:

NM_152384.3(BBS5):c.283C>G (p.Leu95Val)

Gene: BBS5 (Bardet-Biedl syndrome 5; plus strand). Cytogenetic location: 2q31.1.
Variant type: single nucleotide variant.
Coding change: c.283C>G on transcript NM_152384.3 (MANE Select); coding-DNA position 283, C replaced by G.
Protein change: p.Leu95Val; replaces leucine 95 with valine.
Molecular consequence: missense variant.
Genome position (GRCh38, 1-based): chr2:169,488,011, C>G. VCF-style: chr2-169488011-C-G. GRCh37 (hg19) VCF-style: chr2-170344521-C-G.
Other names: c.283C>G (NM_152384.2); short protein forms L95V.
Identifiers: ClinVar variation 2094174 (VCV002094174.5), dbSNP rs1489332362, ClinGen allele CA349162015.

ClinVar aggregate classification (germline): Uncertain significance. Review status: criteria provided, multiple submitters, no conflicts (2 of 4 stars). 2 submissions from 2 submitters: Uncertain significance (2). Last evaluated 2025-12-10.

Conditions:
BBS5-related disorder. Also called: BBS5-related condition.
Bardet-Biedl syndrome (BBS). Identifiers: Orphanet 110, MedGen C0752166, MONDO:0015229.

gnomAD v4.1: 1 of 1,613,764 alleles (0.000062%); highest among the groups gnomAD compares: Non-Finnish European, 0.000085%; no homozygotes.

Submissions (2):

PreventionGenetics, part of Exact Sciences
Classification: Uncertain significance for BBS5-related condition. Last evaluated: 2025-12-10. Review status: criteria provided, single submitter. Criteria: ACMG Guidelines, 2015. Collection method: clinical testing. Allele origin: germline.
Comment: The BBS5 c.283C>G variant is predicted to result in the amino acid substitution p.Leu95Val. To our knowledge, this variant has not been reported in the literature or in a large population database (gnomAD), indicating this variant is rare. At this time, the clinical significance of this variant is uncertain due to the absence of conclusive functional and genetic evidence.

Labcorp Genetics (formerly Invitae), Labcorp
Classification: Uncertain significance for Bardet-Biedl syndrome. Last evaluated: 2022-08-05. Review status: criteria provided, single submitter. Criteria: Invitae Variant Classification Sherloc (09022015). Collection method: clinical testing. Allele origin: germline.
Comment: In summary, the available evidence is currently insufficient to determine the role of this variant in disease. Therefore, it has been classified as a Variant of Uncertain Significance. Algorithms developed to predict the effect of missense changes on protein structure and function are either unavailable or do not agree on the potential impact of this missense change (SIFT: "Tolerated"; PolyPhen-2: "Probably Damaging"; Align-GVGD: "Class C15"). This variant has not been reported in the literature in individuals affected with BBS5-related conditions. This variant is not present in population databases (gnomAD no frequency). This sequence change replaces leucine, which is neutral and non-polar, with valine, which is neutral and non-polar, at codon 95 of the BBS5 protein (p.Leu95Val).